The following is an entry in ClinVar:

NM_000443.4(ABCB4):c.3343G>A (p.Val1115Met)

Gene: ABCB4 (ATP binding cassette subfamily B member 4; minus strand). Cytogenetic location: 7q21.12.
Variant type: single nucleotide variant.
Coding change: c.3343G>A on transcript NM_000443.4 (MANE Select); coding-DNA position 3343, G replaced by A.
Protein change: p.Val1115Met; replaces valine 1115 with methionine.
Molecular consequence: missense variant.
Genome position (GRCh38, 1-based): chr7:87,406,431, C>T on the plus strand (G>A on the coding strand, the complement: ABCB4 is on the minus strand). VCF-style: chr7-87406431-C-T. GRCh37 (hg19) VCF-style: chr7-87035747-C-T.
Other names: c.3364G>A, p.Val1122Met (NM_018849.3); c.3202G>A, p.Val1068Met (NM_018850.3); short protein forms V1068M, V1122M, V1115M.
Identifiers: ClinVar variation 3714311 (VCV003714311.1).
Genomic context (GRCh38, chr7:87,406,431, plus strand): 5'-TGTCTCCATAGGCAATATTCTCGGCAATGCTGCAGTCAAATAGGATAGGCTCCTGAGACA[C>T]GATTCCGAGTTGAGCTCTGAGCCACTGGACATTGAGTTTCTTTGCTTCTTGACCATCGAG-3'
Protein context (NP_000434.1, residues 1105-1125): VQWLRAQLGI[Val1115Met]SQEPILFDCS

ClinVar aggregate classification (germline): Uncertain significance (1 of 4 stars; one submission).

gnomAD v4.1: 114 of 1,613,830 alleles (0.0071%); highest among the groups gnomAD compares: Middle Eastern, 0.016%; no homozygotes.

Submission:

Labcorp Genetics (formerly Invitae), Labcorp
Classification: Uncertain significance. Last evaluated: 2024-08-09. Review status: criteria provided, single submitter. Criteria: Invitae Variant Classification Sherloc (09022015). Collection method: clinical testing. Allele origin: germline.
Comment: This sequence change replaces valine, which is neutral and non-polar, with methionine, which is neutral and non-polar, at codon 1115 of the ABCB4 protein (p.Val1115Met). This variant is present in population databases (rs141343150, gnomAD 0.008%). This variant has not been reported in the literature in individuals affected with ABCB4-related conditions. Advanced modeling of protein sequence and biophysical properties (such as structural, functional, and spatial information, amino acid conservation, physicochemical variation, residue mobility, and thermodynamic stability) has been performed at Invitae for this missense variant, however the output from this modeling did not meet the statistical confidence thresholds required to predict the impact of this variant on ABCB4 protein function. In summary, the available evidence is currently insufficient to determine the role of this variant in disease. Therefore, it has been classified as a Variant of Uncertain Significance.